The following is an entry in ClinVar:

ClinVar aggregate classification (germline): Uncertain significance (1 of 4 stars; one submission).

gnomAD v4.1: 2 of 1,613,824 alleles (0.00012%); highest among the groups gnomAD compares: Non-Finnish European, 0.00017%; no homozygotes.

Submission:

GeneDx
Classification: Uncertain significance. Last evaluated: 2026-08-03. Review status: criteria provided, single submitter. Criteria: GeneDx Variant Classification Process June 2021. Collection method: clinical testing. Allele origin: germline.
Comment: Not observed at significant frequency in large population cohorts (gnomAD); In silico analysis supports that this missense variant has a deleterious effect on protein structure/function; Has not been previously published as pathogenic or benign to our knowledge; De novo variant with confirmed parentage in patients referred for genetic testing at GeneDx; however, the reported clinical features are only partially consistent with the features typically observed in individuals with pathogenic variants in this gene

NM_007118.4(TRIO):c.3872G>A (p.Arg1291His)

Gene: TRIO (trio Rho guanine nucleotide exchange factor; plus strand). Cytogenetic location: 5p15.2.
Variant type: single nucleotide variant.
Coding change: c.3872G>A on transcript NM_007118.4 (MANE Select); coding-DNA position 3872, G replaced by A.
Protein change: p.Arg1291His; replaces arginine 1291 with histidine.
Molecular consequence: missense variant. On other transcripts: non-coding transcript variant (1).
Genome position (GRCh38, 1-based): chr5:14,387,838, G>A. VCF-style: chr5-14387838-G-A. GRCh37 (hg19) VCF-style: chr5-14387947-G-A.
Other names: short protein forms R1291H.
Identifiers: ClinVar variation 2507166 (VCV002507166.4), dbSNP rs1746681452, ClinGen allele CA359227345.
Genomic context (GRCh38, chr5:14,387,838, plus strand): 5'-CAGAGGTGAAACTTCGAGATGCTGCTCATGAACTTAATGAAGAGAAGCGGAAATCTGCCC[G>A]CAGGAAAGAGTAAGCCAGTCTTTCAGAATCTACCAGGATTCACTGGAAAAGTGAAGAGAA-3'
Protein context (NP_009049.2, residues 1281-1301): ELNEEKRKSA[Arg1291His]RKEFIMAELI